The following is an entry in ClinVar:

ClinVar aggregate classification (germline): Likely benign (0 of 4 stars; one submission).

Conditions:
TNIK-related disorder. Also called: TNIK-related condition.

Submission:

PreventionGenetics, part of Exact Sciences
Classification: Likely benign for TNIK-related condition. Last evaluated: 2019-06-06. Review status: no assertion criteria provided. Collection method: clinical testing. Allele origin: germline.
Comment: This variant is classified as likely benign based on ACMG/AMP sequence variant interpretation guidelines (Richards et al. 2015 PMID: 25741868, with internal and published modifications).

NM_015028.4(TNIK):c.1609-17_1609-10dup

Gene: TNIK (TRAF2 and NCK interacting kinase; minus strand). Cytogenetic location: 3q26.2.
Variant type: Duplication.
Coding change: c.1609-17_1609-10dup on transcript NM_015028.4 (MANE Select); 17 bases into the intron before coding-DNA position 1609 through 10 bases into the intron before coding-DNA position 1609, 8 bases duplicated (TTTTTTTT; older notation c.1609-17_1609-10dupTTTTTTTT).
Molecular consequence: intron variant.
Genome position (GRCh38, 1-based): chr3:171,128,888-171,128,895, AAAAAAAA duplicated on the plus strand (TTTTTTTT on the coding strand, the reverse complement: TNIK is on the minus strand); duplicating any 8 consecutive bases within chr3:171,128,888-171,128,907 gives the same sequence; the c. name uses the placement nearest the transcript's 3' end. VCF-style (leftmost placement, unchanged base first): chr3-171128887-C-CAAAAAAAA. GRCh37 (hg19) VCF-style: chr3-170846676-C-CAAAAAAAA.
Other names: c.1522-2744_1522-2737dup (NM_001161566.3, NM_001161565.3); c.1522-17_1522-10dup (NM_001161562.3, NM_001161561.3); c.1609-2744_1609-2737dup (NM_001161564.3, NM_001161563.3); c.1609-17_1609-10dup (NM_001161560.3).
Identifiers: ClinVar variation 3044625 (VCV003044625.2), dbSNP rs59293515, ClinGen allele CA1056324390.